The following is an entry in ClinVar:

NM_005859.5(PURA):c.197T>A (p.Val66Glu)

Gene: PURA (purine rich element binding protein A; plus strand). Cytogenetic location: 5q31.3.
Variant type: single nucleotide variant.
Coding change: c.197T>A on transcript NM_005859.5 (MANE Select); coding-DNA position 197, T replaced by A.
Protein change: p.Val66Glu; replaces valine 66 with glutamic acid.
Molecular consequence: missense variant.
Genome position (GRCh38, 1-based): chr5:140,114,378, T>A. VCF-style: chr5-140114378-T-A. GRCh37 (hg19) VCF-style: chr5-139493963-T-A.
Other names: short protein forms V66E.
Identifiers: ClinVar variation 2135602 (VCV002135602.4), dbSNP rs2126748808, ClinGen allele CA361490000.
Genomic context (GRCh38, chr5:140,114,378, plus strand): 5'-GCGGCGGCGGGGCCCCAGGGGGGCTGCAGCACGAGACGCAGGAGCTGGCCTCCAAGCGGG[T>A]GGACATCCAGAACAAGCGCTTCTACCTGGACGTGAAGCAGAACGCCAAGGGCCGCTTCCT-3'
Protein context (NP_005850.1, residues 56-76): HETQELASKR[Val66Glu]DIQNKRFYLD

ClinVar aggregate classification (germline): Uncertain significance (1 of 4 stars; one submission).

Conditions:
PURA-related severe neonatal hypotonia-seizures-encephalopathy syndrome (NEDRIHF). Also called: NEURODEVELOPMENTAL DISORDER WITH NEONATAL RESPIRATORY INSUFFICIENCY, HYPOTONIA, AND FEEDING DIFFICULTIES; PURA-Related Neurodevelopmental Disorders. Identifiers: Orphanet 438213, Orphanet 438216, MedGen C4015357, MONDO:1060108, OMIM 616158, MONDO:0018580.

Submission:

Labcorp Genetics (formerly Invitae), Labcorp
Classification: Uncertain significance for PURA-related severe neonatal hypotonia-seizures-encephalopathy syndrome. Last evaluated: 2022-05-08. Review status: criteria provided, single submitter. Criteria: Invitae Variant Classification Sherloc (09022015). Collection method: clinical testing. Allele origin: germline.
Comment: In summary, the available evidence is currently insufficient to determine the role of this variant in disease. Therefore, it has been classified as a Variant of Uncertain Significance. Algorithms developed to predict the effect of missense changes on protein structure and function are either unavailable or do not agree on the potential impact of this missense change (SIFT: "Deleterious"; PolyPhen-2: "Possibly Damaging"; Align-GVGD: "Class C0"). This variant has not been reported in the literature in individuals affected with PURA-related conditions. This variant is not present in population databases (gnomAD no frequency). This sequence change replaces valine, which is neutral and non-polar, with glutamic acid, which is acidic and polar, at codon 66 of the PURA protein (p.Val66Glu).